The following is an entry in ClinVar:

NM_001148.6(ANK2):c.32A>T (p.Asp11Val)

Gene: ANK2 (ankyrin 2; plus strand). Cytogenetic location: 4q25.
Variant type: single nucleotide variant.
Coding change: c.32A>T on transcript NM_001148.6 (MANE Select); coding-DNA position 32, A replaced by T.
Protein change: p.Asp11Val; replaces aspartic acid 11 with valine.
Molecular consequence: missense variant. On other transcripts: intron variant (43).
Genome position (GRCh38, 1-based): chr4:113,049,760, A>T. VCF-style: chr4-113049760-A-T. GRCh37 (hg19) VCF-style: chr4-113970916-A-T.
Other names: c.32A>T, p.Asp11Val (NM_001354225.2, NM_001354228.2, NM_001354232.2 and 10 more transcripts); c.73-124656A>T (NM_001386186.2, NM_001386148.2, NM_001354269.3 and 1 more transcripts); c.22-101320A>T (NM_001386147.1, NM_001386160.1, NM_001354261.2); c.22-124656A>T (NM_001354254.2, NM_001354239.2, NM_001354252.2 and 33 more transcripts); short protein forms D11V.
Identifiers: ClinVar variation 1729943 (VCV001729943.3), dbSNP rs2548733446, ClinGen allele CA357992704.

ClinVar aggregate classification (germline): Uncertain significance. Review status: criteria provided, multiple submitters, no conflicts (2 of 4 stars). 2 submissions from 2 submitters: Uncertain significance (2). Last evaluated 2025-07-29.

Conditions:
Cardiovascular phenotype. Identifiers: MedGen CN230736.

Submissions (2):

GeneDx
Classification: Uncertain significance. Last evaluated: 2025-07-29. Review status: criteria provided, single submitter. Criteria: GeneDx Variant Classification Process June 2021. Collection method: clinical testing. Allele origin: germline. Affected: yes.
Comment: Not observed at significant frequency in large population cohorts (gnomAD); In silico analysis supports that this missense variant has a deleterious effect on protein structure/function; Has not been previously published as pathogenic or benign to our knowledge

Ambry Genetics
Classification: Uncertain significance for Cardiovascular phenotype. Last evaluated: 2019-05-22. Review status: criteria provided, single submitter. Criteria: Ambry Variant Classification Scheme 2023. Collection method: clinical testing. Allele origin: germline.
Comment: The p.D11V variant (also known as c.32A>T), located in coding exon 1 of the ANK2 gene, results from an A to T substitution at nucleotide position 32. The aspartic acid at codon 11 is replaced by valine, an amino acid with highly dissimilar properties. This amino acid position is highly conserved in available vertebrate species. In addition, the in silico prediction for this alteration is inconclusive. Since supporting evidence is limited at this time, the clinical significance of this alteration remains unclear.